The following is an entry in ClinVar:

ClinVar aggregate classification (germline): Uncertain significance (1 of 4 stars; one submission).

Conditions:
Familial adenomatous polyposis 1 (FAP1). Also called: FAMILIAL ADENOMATOUS POLYPOSIS 1, ATTENUATED; POLYPOSIS, ADENOMATOUS INTESTINAL. Identifiers: MedGen C2713442, MONDO:0021056, OMIM 175100. Disease mechanism: loss of function.

Allele frequency attached by ClinVar (database versions not stated): gnomAD exomes below 0.00001.
gnomAD v4.1: 1 of 1,370,252 alleles (0.000073%); highest among the groups gnomAD compares: Admixed American, 0.0022%; no homozygotes.

Submission:

Labcorp Genetics (formerly Invitae), Labcorp
Classification: Uncertain significance for Familial adenomatous polyposis 1. Last evaluated: 2024-03-19. Review status: criteria provided, single submitter. Criteria: Invitae Variant Classification Sherloc (09022015). Collection method: clinical testing. Allele origin: germline.
Comment: This variant occurs in a non-coding region of the APC gene. It does not change the encoded amino acid sequence of the APC protein. This variant is not present in population databases (gnomAD no frequency). This variant has not been reported in the literature in individuals affected with APC-related conditions. Experimental studies and prediction algorithms are not available or were not evaluated, and the functional significance of this variant is currently unknown. In summary, the available evidence is currently insufficient to determine the role of this variant in disease. Therefore, it has been classified as a Variant of Uncertain Significance.

NM_001127511.3(APC):c.129C>T (p.Gly43=)

Gene: APC (APC regulator of Wnt signaling pathway; plus strand). Cytogenetic location: 5q22.2.
Variant type: single nucleotide variant.
Coding change: c.129C>T on transcript NM_001127511.3; coding-DNA position 129, C replaced by T.
Protein change: p.Gly43=; no amino-acid change (glycine 43 retained).
Molecular consequence: synonymous variant. On other transcripts: 5 prime UTR variant (8), non-coding transcript variant (1), intron variant (5).
Genome position (GRCh38, 1-based): chr5:112,707,846, C>T. VCF-style: chr5-112707846-C-T. GRCh37 (hg19) VCF-style: chr5-112043543-C-T.
Other names: c.-55C>T (NM_001354895.2, NM_001407447.1, NM_001407452.1 and 3 more transcripts); c.129C>T, p.Gly43= (NM_001354897.2, NM_001354902.2, NM_001407446.1); c.-1090C>T (NM_001407470.1, NM_001407472.1); c.-19+197C>T (NM_001407448.1, NM_001407450.1, NM_001407457.1 and 1 more transcripts); c.-43+197C>T (NM_001407453.1).
Identifiers: ClinVar variation 1041236 (VCV001041236.9), dbSNP rs1750614449, ClinGen allele CA1573442774.